The following is an entry in ClinVar:

ClinVar aggregate classification (germline): Benign/Likely benign. Review status: criteria provided, multiple submitters, no conflicts (2 of 4 stars). 7 submissions from 7 submitters: Benign (5); Likely benign (2). Last evaluated 2026-01-28.

Conditions:
Inborn genetic diseases. Identifiers: MedGen C0950123, MeSH D030342.
Progressive myoclonic epilepsy. Also called: Myoclonus epilepsy; Myoclonic Epilepsies, Progressive; Progressive myoclonus epilepsy; Familial progressive myoclonic epilepsy. Identifiers: Orphanet 308, Orphanet 98261, MedGen C0751778, MONDO:0020074.

Allele frequency attached by ClinVar (database versions not stated): gnomAD exomes 0.00021 and 0.00051; ExAC 0.00058; gnomAD 0.00217 and 0.00232; 1000 Genomes Project 30x 0.00234; 1000 Genomes Project 0.00240; TOPMed 0.00255; ESP Exome Variant Server 0.00277.
gnomAD v4.1: 641 of 1,549,904 alleles (0.041%); highest among the groups gnomAD compares: African/African-American, 0.77%; 3 homozygotes.

Submissions (7):

Labcorp Genetics (formerly Invitae), Labcorp
Classification: Likely benign for Progressive myoclonic epilepsy. Last evaluated: 2026-01-28. Review status: criteria provided, single submitter. Criteria: Invitae Variant Classification Sherloc (09022015). Collection method: clinical testing. Allele origin: germline.

Mayo Clinic Laboratories, Mayo Clinic
Classification: Benign. Last evaluated: 2025-01-21. Review status: criteria provided, single submitter. Criteria: ACMG Guidelines, 2015. Collection method: clinical testing. Allele origin: germline. Observed: 3 variant alleles.
Comment: BA1

Blueprint Genetics
Classification: Likely benign. Last evaluated: 2024-09-24. Review status: criteria provided, single submitter. Criteria: ACMG Guidelines, 2015. Collection method: clinical testing. Allele origin: germline.

Eurofins Ntd Llc (ga)
Classification: Benign. Last evaluated: 2016-08-09. Review status: criteria provided, single submitter. Criteria: EGL Classification Definitions 2015. Collection method: clinical testing. Allele origin: germline. Observed: 2 variant alleles, 2 heterozygotes.

Ambry Genetics
Classification: Benign for Inborn genetic diseases. Last evaluated: 2016-08-08. Review status: criteria provided, single submitter. Criteria: Ambry Variant Classification Scheme 2023. Collection method: clinical testing. Allele origin: germline.

GeneDx
Classification: Benign. Last evaluated: 2014-06-23. Review status: criteria provided, single submitter. Criteria: GeneDx Variant Classification (06012015). Collection method: clinical testing. Allele origin: germline. Affected: yes.
Comment: This variant is considered likely benign or benign based on one or more of the following criteria: it is a conservative change, it occurs at a poorly conserved position in the protein, it is predicted to be benign by multiple in silico algorithms, and/or has population frequency not consistent with disease.

PreventionGenetics, part of Exact Sciences
Classification: Benign. Review status: criteria provided, single submitter. Criteria: ACMG Guidelines, 2015. Collection method: clinical testing. Allele origin: germline.

NM_004287.5(GOSR2):c.40G>A (p.Glu14Lys)

Genes: GOSR2 (golgi SNAP receptor complex member 2; plus strand), LRRC37A2 (leucine rich repeat containing 37 member A2). Cytogenetic location: 17q21.32.
Variant type: single nucleotide variant.
Coding change: c.40G>A on transcript NM_004287.5 (MANE Select); coding-DNA position 40, G replaced by A.
Protein change: p.Glu14Lys; replaces glutamic acid 14 with lysine.
Molecular consequence: missense variant. On other transcripts: 5 prime UTR variant (2), non-coding transcript variant (3).
Genome position (GRCh38, 1-based): chr17:46,929,530, G>A. VCF-style: chr17-46929530-G-A. GRCh37 (hg19) VCF-style: chr17-45006896-G-A.
Other names: p.E14K:GAG>AAG; p.Glu14Lys; c.40G>A (NM_004287.4); c.40G>A, p.Glu14Lys (NM_001012511.3, NM_001321133.2, NM_001330252.2 and 4 more transcripts); c.-15G>A (NM_001321134.2, NM_001363851.2); short protein forms E14K.
Identifiers: ClinVar variation 205627 (VCV000205627.27), dbSNP rs113817924, ClinGen allele CA314894.